The following is an entry in ClinVar:

NM_015629.4(PRPF31):c.615C>T (p.Tyr205=)

Gene: PRPF31 (pre-mRNA processing factor 31; plus strand). Cytogenetic location: 19q13.42.
Variant type: single nucleotide variant.
Coding change: c.615C>T on transcript NM_015629.4 (MANE Select); coding-DNA position 615, C replaced by T.
Protein change: p.Tyr205=; no amino-acid change (tyrosine 205 retained).
Molecular consequence: synonymous variant.
Genome position (GRCh38, 1-based): chr19:54,123,836, C>T. VCF-style: chr19-54123836-C-T. GRCh37 (hg19) VCF-style: chr19-54627215-C-T.
Other names: c.615C>T (NM_015629.3).
Identifiers: ClinVar variation 4763821 (VCV004763821.2).

ClinVar aggregate classification (germline): Likely benign. Review status: criteria provided, multiple submitters, no conflicts (2 of 4 stars). 2 submissions from 2 submitters: Likely benign (2). Last evaluated 2026-01-19.

Conditions:
PRPF31-related disorder. Also called: PRPF31-related condition.

gnomAD v4.1: 43 of 1,613,806 alleles (0.0027%); highest among the groups gnomAD compares: Admixed American, 0.023%; no homozygotes.

Submissions (2):

Labcorp Genetics (formerly Invitae), Labcorp
Classification: Likely benign. Last evaluated: 2026-01-19. Review status: criteria provided, single submitter. Criteria: Invitae Variant Classification Sherloc (09022015). Collection method: clinical testing. Allele origin: germline.

PreventionGenetics, part of Exact Sciences
Classification: Likely benign for PRPF31-related condition. Last evaluated: 2025-10-27. Review status: criteria provided, single submitter. Criteria: ACMG Guidelines, 2015. Collection method: clinical testing. Allele origin: germline.
Comment: This variant is classified as likely benign based on ACMG/AMP sequence variant interpretation guidelines (Richards et al. 2015 PMID: 25741868, with internal and published modifications).